The following is an entry in ClinVar:

ClinVar aggregate classification (germline): Uncertain significance (1 of 4 stars; one submission).

gnomAD v4.1: 1 of 1,608,928 alleles (0.000062%); highest among the groups gnomAD compares: Non-Finnish European, 0.000085%; no homozygotes.

Submission:

GeneDx
Classification: Uncertain significance. Last evaluated: 2024-02-12. Review status: criteria provided, single submitter. Criteria: GeneDx Variant Classification Process June 2021. Collection method: clinical testing. Allele origin: germline. Affected: yes.
Comment: Not observed at significant frequency in large population cohorts (gnomAD); In silico analysis supports that this missense variant does not alter protein structure/function; Has not been previously published as pathogenic or benign to our knowledge

NM_020937.4(FANCM):c.2715A>T (p.Glu905Asp)

Gene: FANCM (FA complementation group M; plus strand). Cytogenetic location: 14q21.2.
Variant type: single nucleotide variant.
Coding change: c.2715A>T on transcript NM_020937.4 (MANE Select); coding-DNA position 2715, A replaced by T.
Protein change: p.Glu905Asp; replaces glutamic acid 905 with aspartic acid.
Molecular consequence: missense variant.
Genome position (GRCh38, 1-based): chr14:45,175,469, A>T. VCF-style: chr14-45175469-A-T. GRCh37 (hg19) VCF-style: chr14-45644672-A-T.
Other names: c.2637A>T, p.Glu879Asp (NM_001308133.2); short protein forms E879D, E905D.
Identifiers: ClinVar variation 3369186 (VCV003369186.1).